The following is an entry in ClinVar:

ClinVar aggregate classification (germline): Benign. Review status: criteria provided, single submitter (1 of 4 stars). 2 submissions from 2 submitters: Benign (1). 1 of the submissions does not count toward it. Last evaluated 2022-11-24.

Conditions:
KMT2D-related disorder. Also called: KMT2D-Related Disorders.
Kabuki syndrome. Also called: NIIKAWA-KUROKI SYNDROME; Kabuki make-up syndrome. Identifiers: Orphanet 2322, MedGen C0796004, MONDO:0016512.

Allele frequency attached by ClinVar (database versions not stated): TOPMed below 0.00001; gnomAD exomes 0.00001; ExAC 0.00005; ESP Exome Variant Server 0.00008.
gnomAD v4.1: 12 of 1,570,030 alleles (0.00076%); highest among the groups gnomAD compares: Non-Finnish European, 0.00095%; no homozygotes.

Submissions (2):

Labcorp Genetics (formerly Invitae), Labcorp
Classification: Benign for Kabuki syndrome. Last evaluated: 2022-11-24. Review status: criteria provided, single submitter. Criteria: Invitae Variant Classification Sherloc (09022015). Collection method: clinical testing. Allele origin: germline.

PreventionGenetics, part of Exact Sciences
Classification: Likely benign for KMT2D-related condition. Last evaluated: 2021-06-26. Review status: no assertion criteria provided. Collection method: clinical testing. Allele origin: germline. Not counted in ClinVar's aggregate classification.
Comment: This variant is classified as likely benign based on ACMG/AMP sequence variant interpretation guidelines (Richards et al. 2015 PMID: 25741868, with internal and published modifications).

NM_003482.4(KMT2D):c.2691G>A (p.Glu897=)

Gene: KMT2D (lysine methyltransferase 2D; minus strand). Cytogenetic location: 12q13.12.
Variant type: single nucleotide variant.
Coding change: c.2691G>A on transcript NM_003482.4 (MANE Select); coding-DNA position 2691, G replaced by A.
Protein change: p.Glu897=; no amino-acid change (glutamic acid 897 retained).
Molecular consequence: synonymous variant.
Genome position (GRCh38, 1-based): chr12:49,050,992, C>T on the plus strand (G>A on the coding strand, the complement: KMT2D is on the minus strand). VCF-style: chr12-49050992-C-T. GRCh37 (hg19) VCF-style: chr12-49444775-C-T.
Identifiers: ClinVar variation 2975629 (VCV002975629.5), dbSNP rs373758111, ClinGen allele CA6548207.